The following is an entry in ClinVar:

NM_032119.4(ADGRV1):c.1510-7A>T

Gene: ADGRV1 (adhesion G protein-coupled receptor V1; plus strand). Cytogenetic location: 5q14.3.
Variant type: single nucleotide variant.
Coding change: c.1510-7A>T on transcript NM_032119.4 (MANE Select); 7 bases into the intron before coding-DNA position 1510, A replaced by T.
Molecular consequence: intron variant.
Genome position (GRCh38, 1-based): chr5:90,629,203, A>T. VCF-style: chr5-90629203-A-T. GRCh37 (hg19) VCF-style: chr5-89925020-A-T.
Identifiers: ClinVar variation 180124 (VCV000180124.23), dbSNP rs182260529, ClinGen allele CA185856.

ClinVar aggregate classification (germline): Conflicting classifications of pathogenicity. Review status: criteria provided, conflicting classifications (1 of 4 stars). 6 submissions from 6 submitters: Uncertain significance (1); Likely benign (4). 1 of the submissions does not count toward it. Last evaluated 2026-01-09.

Conditions:
ADGRV1-related disorder. Also called: ADGRV1-related disorders; ADGRV1-related condition.
Usher syndrome type 2C. Also called: USHER SYNDROME, TYPE IIC; Usher syndrome, type 2B. Identifiers: Orphanet 231178, Orphanet 886, MedGen C2931213, MONDO:0011558, OMIM 605472.

Allele frequency attached by ClinVar (database versions not stated): gnomAD 0.00013; TOPMed 0.00024; gnomAD exomes 0.00029; ExAC 0.00053; 1000 Genomes Project 0.00120; 1000 Genomes Project 30x 0.00141.
gnomAD v4.1: 522 of 1,492,656 alleles (0.035%); highest among the groups gnomAD compares: Admixed American, 0.18%; no homozygotes.

Submissions (6):

Labcorp Genetics (formerly Invitae), Labcorp
Classification: Likely benign. Last evaluated: 2026-01-09. Review status: criteria provided, single submitter. Criteria: Invitae Variant Classification Sherloc (09022015). Collection method: clinical testing. Allele origin: germline.

Blueprint Genetics
Classification: Likely benign. Last evaluated: 2024-10-30. Review status: criteria provided, single submitter. Criteria: ACMG Guidelines, 2015. Collection method: clinical testing. Allele origin: germline.

GeneDx
Classification: Likely benign. Last evaluated: 2021-08-03. Review status: criteria provided, single submitter. Criteria: GeneDx Variant Classification Process June 2021. Collection method: clinical testing. Allele origin: germline. Affected: yes.

Illumina Laboratory Services, Illumina
Classification: Uncertain significance for Usher syndrome type 2C. Last evaluated: 2018-01-13. Review status: criteria provided, single submitter. Criteria: ICSL Variant Classification Criteria 13 December 2019. Collection method: clinical testing. Allele origin: germline.

Laboratory for Molecular Medicine, Mass General Brigham Personalized Medicine
Classification: Likely benign. Last evaluated: 2014-12-06. Review status: criteria provided, single submitter. Criteria: LMM Criteria. Collection method: clinical testing. Allele origin: germline. Observed: 3 variant alleles.
Comment: c.1510-7A>T in intron 8 of GPR98: This variant is not expected to have clinical significance because it has been identified in 1.8% (2/110) of Puerto Ricans ch romosomes by the 1000 Genomes Project (dbSNP rs182260529), 0.1% (7/6046) of Lati no chromosomes and 0.08% (31/41420) of European Non-Finnish chromosomes by the E xome Aggregation Consortium (ExAC). In addition , computational tools do not suggest an impact to splicing.

PreventionGenetics, part of Exact Sciences
Classification: Likely benign for ADGRV1-related condition. Last evaluated: 2024-02-08. Review status: no assertion criteria provided. Collection method: clinical testing. Allele origin: germline. Not counted in ClinVar's aggregate classification.
Comment: This variant is classified as likely benign based on ACMG/AMP sequence variant interpretation guidelines (Richards et al. 2015 PMID: 25741868, with internal and published modifications).